The following is an entry in ClinVar:

NM_003906.5(MCM3AP):c.4841G>C (p.Ser1614Thr)

Genes: MCM3AP (minichromosome maintenance complex component 3 associated protein; minus strand), MCM3AP-AS1 (MCM3AP antisense RNA 1; plus strand). Cytogenetic location: 21q22.3.
Variant type: single nucleotide variant.
Coding change: c.4841G>C on transcript NM_003906.5 (MANE Select); coding-DNA position 4841, G replaced by C.
Protein change: p.Ser1614Thr; replaces serine 1614 with threonine.
Molecular consequence: missense variant.
Genome position (GRCh38, 1-based): chr21:46,245,004, C>G on the plus strand (G>C on the coding strand, the complement: MCM3AP is on the minus strand). VCF-style: chr21-46245004-C-G. GRCh37 (hg19) VCF-style: chr21-47664918-C-G.
Other names: short protein forms S1614T.
Identifiers: ClinVar variation 1446709 (VCV001446709.3), dbSNP rs764768897, ClinGen allele CA10075998.

ClinVar aggregate classification (germline): Uncertain significance (1 of 4 stars; one submission).

Allele frequency attached by ClinVar (database versions not stated): ExAC 0.00001; gnomAD 0.00001; TOPMed 0.00002.
gnomAD v4.1: 37 of 1,614,092 alleles (0.0023%); highest among the groups gnomAD compares: Non-Finnish European, 0.0031%; no homozygotes.

Submission:

Labcorp Genetics (formerly Invitae), Labcorp
Classification: Uncertain significance. Last evaluated: 2022-10-05. Review status: criteria provided, single submitter. Criteria: Invitae Variant Classification Sherloc (09022015). Collection method: clinical testing. Allele origin: germline.
Comment: This sequence change replaces serine, which is neutral and polar, with threonine, which is neutral and polar, at codon 1614 of the MCM3AP protein (p.Ser1614Thr). This variant is present in population databases (rs764768897, gnomAD 0.002%). This variant has not been reported in the literature in individuals affected with MCM3AP-related conditions. ClinVar contains an entry for this variant (Variation ID: 1446709). Algorithms developed to predict the effect of missense changes on protein structure and function are either unavailable or do not agree on the potential impact of this missense change (SIFT: "Deleterious"; PolyPhen-2: "Probably Damaging"; Align-GVGD: "Class C0"). In summary, the available evidence is currently insufficient to determine the role of this variant in disease. Therefore, it has been classified as a Variant of Uncertain Significance.